The following is an entry in ClinVar:

ClinVar aggregate classification (germline): Uncertain significance (1 of 4 stars; one submission).

Conditions:
Hereditary cancer-predisposing syndrome. Also called: Hereditary neoplastic syndrome; Neoplastic Syndromes, Hereditary; Tumor predisposition; Hereditary Cancer Syndrome. Identifiers: Orphanet 140162, MedGen C0027672, MeSH D009386, MONDO:0015356.

Submission:

Ambry Genetics
Classification: Uncertain significance for Hereditary cancer-predisposing syndrome. Last evaluated: 2025-01-25. Review status: criteria provided, single submitter. Criteria: Ambry Variant Classification Scheme 2023. Collection method: clinical testing. Allele origin: germline.
Comment: The p.E1425G variant (also known as c.4274A>G), located in coding exon 22 of the DICER1 gene, results from an A to G substitution at nucleotide position 4274. The glutamic acid at codon 1425 is replaced by glycine, an amino acid with similar properties. This amino acid position is conserved. In addition, this alteration is predicted to be tolerated by in silico analysis. Based on the available evidence, the clinical significance of this variant remains unclear.

NM_177438.3(DICER1):c.4274A>G (p.Glu1425Gly)

Gene: DICER1 (dicer 1, ribonuclease III; minus strand). Cytogenetic location: 14q32.13.
Variant type: single nucleotide variant.
Coding change: c.4274A>G on transcript NM_177438.3 (MANE Select); coding-DNA position 4274, A replaced by G.
Protein change: p.Glu1425Gly; replaces glutamic acid 1425 with glycine.
Molecular consequence: missense variant. On other transcripts: non-coding transcript variant (6).
Genome position (GRCh38, 1-based): chr14:95,096,646, T>C on the plus strand (A>G on the coding strand, the complement: DICER1 is on the minus strand). VCF-style: chr14-95096646-T-C. GRCh37 (hg19) VCF-style: chr14-95562983-T-C.
Other names: c.4274A>G, p.Glu1425Gly (NM_001195573.1, NM_001271282.3, NM_001291628.2 and 12 more transcripts); c.3992A>G, p.Glu1331Gly (NM_001395686.1); c.3869A>G, p.Glu1290Gly (NM_001395687.1, NM_001395688.1, NM_001395689.1 and 2 more transcripts); c.3707A>G, p.Glu1236Gly (NM_001395691.1); c.2591A>G, p.Glu864Gly (NM_001395697.1); short protein forms E1290G, E1331G, E1425G, E864G, E1236G.
Identifiers: ClinVar variation 3840016 (VCV003840016.1).